The following is an entry in ClinVar:

NM_177438.3(DICER1):c.3888dup (p.Ile1297fs)

Gene: DICER1 (dicer 1, ribonuclease III; minus strand). Cytogenetic location: 14q32.13.
Variant type: Duplication.
Coding change: c.3888dup on transcript NM_177438.3 (MANE Select); coding-DNA position 3888, one base duplicated (T; older notation c.3888dupT).
Protein change: p.Ile1297fs; shifts the reading frame from isoleucine 1297.
Molecular consequence: frameshift variant. On other transcripts: non-coding transcript variant (6).
Genome position (GRCh38, 1-based): chr14:95,103,508, A duplicated on the plus strand (T on the coding strand, the reverse complement: DICER1 is on the minus strand); the first of 2 consecutive A bases (chr14:95,103,508-95,103,509); duplicating either gives the same sequence. VCF-style (leftmost placement, unchanged base first): chr14-95103507-T-TA. GRCh37 (hg19) VCF-style: chr14-95569844-T-TA.
Other names: c.3888dup, p.Ile1297fs (NM_001195573.1, NM_001271282.3, NM_001291628.2 and 12 more transcripts); c.3887dup, p.Ile1297Tyrfs (NM_001395681.1); c.3606dup, p.Ile1203fs (NM_001395686.1); c.3483dup, p.Ile1162fs (NM_001395687.1, NM_001395688.1, NM_001395689.1 and 2 more transcripts); c.3321dup, p.Ile1108fs (NM_001395691.1); c.2205dup, p.Ile736fs (NM_001395697.1); short protein forms I1108fs, I736fs, I1203fs, I1297fs, I1162fs.
Identifiers: ClinVar variation 2710277 (VCV002710277.3), dbSNP rs2542690750, ClinGen allele CA2697554178.

ClinVar aggregate classification (germline): Pathogenic (1 of 4 stars; one submission).

Conditions:
DICER1-related tumor predisposition. Also called: DICER1 syndrome; DICER1-related pleuropulmonary blastoma cancer predisposition syndrome. Identifiers: Orphanet 284343, MedGen C3839822, MONDO:0100216.

Submission:

Labcorp Genetics (formerly Invitae), Labcorp
Classification: Pathogenic for DICER1-related tumor predisposition. Last evaluated: 2024-04-22. Review status: criteria provided, single submitter. Criteria: Invitae Variant Classification Sherloc (09022015). Collection method: clinical testing. Allele origin: germline.
Comment: This sequence change creates a premature translational stop signal (p.Ile1297Tyrfs*11) in the DICER1 gene. It is expected to result in an absent or disrupted protein product. Loss-of-function variants in DICER1 are known to be pathogenic (PMID: 19556464, 21266384). This variant is not present in population databases (gnomAD no frequency). This variant has not been reported in the literature in individuals affected with DICER1-related conditions. For these reasons, this variant has been classified as Pathogenic.

Literature cited by the submitters: PubMed 19556464; PubMed 21266384.